The following is an entry in ClinVar:

NM_033026.6(PCLO):c.10984G>A (p.Ala3662Thr)

Gene: PCLO (piccolo presynaptic cytomatrix protein; minus strand). Cytogenetic location: 7q21.11.
Variant type: single nucleotide variant.
Coding change: c.10984G>A on transcript NM_033026.6 (MANE Select); coding-DNA position 10984, G replaced by A.
Protein change: p.Ala3662Thr; replaces alanine 3662 with threonine.
Molecular consequence: missense variant.
Genome position (GRCh38, 1-based): chr7:82,949,604, C>T on the plus strand (G>A on the coding strand, the complement: PCLO is on the minus strand). VCF-style: chr7-82949604-C-T. GRCh37 (hg19) VCF-style: chr7-82578920-C-T.
Other names: c.10984G>A, p.Ala3662Thr (NM_014510.3); c.10984G>A (NM_033026.5); short protein forms A3662T.
Identifiers: ClinVar variation 1422654 (VCV001422654.5), dbSNP rs768148533, ClinGen allele CA4319647.

ClinVar aggregate classification (germline): Uncertain significance. Review status: criteria provided, multiple submitters, no conflicts (2 of 4 stars). 4 submissions from 4 submitters: Uncertain significance (4). Last evaluated 2024-03-26.

Conditions:
Inborn genetic diseases. Identifiers: MedGen C0950123, MeSH D030342.
PCLO-related disorder. Also called: PCLO-related condition.
Pontocerebellar hypoplasia type 3 (PCH3). Also called: CEREBELLAR ATROPHY WITH PROGRESSIVE MICROCEPHALY; PCH WITH OPTIC ATROPHY. Identifiers: Orphanet 97249, MedGen C1842687, MONDO:0011948, OMIM 608027.

Allele frequency attached by ClinVar (database versions not stated): gnomAD exomes 0.00002 and 0.00008; gnomAD 0.00003 and 0.00004; TOPMed 0.00003; ExAC 0.00005.
gnomAD v4.1: 118 of 1,613,696 alleles (0.0073%); highest among the groups gnomAD compares: Non-Finnish European, 0.0096%; no homozygotes.

Submissions (4):

Fulgent Genetics
Classification: Uncertain significance for Pontocerebellar hypoplasia type 3. Last evaluated: 2024-03-26. Review status: criteria provided, single submitter. Criteria: ACMG Guidelines, 2015. Collection method: clinical testing. Allele origin: germline.

PreventionGenetics, part of Exact Sciences
Classification: Uncertain significance for PCLO-related condition. Last evaluated: 2023-04-24. Review status: criteria provided, single submitter. Criteria: ACMG Guidelines, 2015. Collection method: clinical testing. Allele origin: germline.
Comment: The PCLO c.10984G>A variant is predicted to result in the amino acid substitution p.Ala3662Thr. To our knowledge, this variant has not been reported in the literature. This variant is reported in 0.0041% of alleles in individuals of African descent in gnomAD. At this time, the clinical significance of this variant is uncertain due to the absence of conclusive functional and genetic evidence.

Labcorp Genetics (formerly Invitae), Labcorp
Classification: Uncertain significance. Last evaluated: 2022-07-26. Review status: criteria provided, single submitter. Criteria: Invitae Variant Classification Sherloc (09022015). Collection method: clinical testing. Allele origin: germline.
Comment: This sequence change replaces alanine, which is neutral and non-polar, with threonine, which is neutral and polar, at codon 3662 of the PCLO protein (p.Ala3662Thr). This variant is present in population databases (rs768148533, gnomAD 0.005%). This variant has not been reported in the literature in individuals affected with PCLO-related conditions. ClinVar contains an entry for this variant (Variation ID: 1422654). Algorithms developed to predict the effect of missense changes on protein structure and function are either unavailable or do not agree on the potential impact of this missense change (SIFT: "Deleterious"; PolyPhen-2: "Not Available"; Align-GVGD: "Class C0"). In summary, the available evidence is currently insufficient to determine the role of this variant in disease. Therefore, it has been classified as a Variant of Uncertain Significance.

Ambry Genetics
Classification: Uncertain significance for Inborn genetic diseases. Last evaluated: 2022-03-14. Review status: criteria provided, single submitter. Criteria: Ambry Variant Classification Scheme 2023. Collection method: clinical testing. Allele origin: germline.
Comment: The c.10984G>A (p.A3662T) alteration is located in exon 6 (coding exon 6) of the PCLO gene. This alteration results from a G to A substitution at nucleotide position 10984, causing the alanine (A) at amino acid position 3662 to be replaced by a threonine (T). This alteration is predicted to be tolerated by in silico analysis. Based on insufficient or conflicting evidence, the clinical significance of this alteration remains unclear.